The following is an entry in ClinVar:

NM_024675.4(PALB2):c.1877A>G (p.Lys626Arg)

Gene: PALB2 (partner and localizer of BRCA2; minus strand). Cytogenetic location: 16p12.2.
Variant type: single nucleotide variant.
Coding change: c.1877A>G on transcript NM_024675.4 (MANE Select); coding-DNA position 1877, A replaced by G.
Protein change: p.Lys626Arg; replaces lysine 626 with arginine.
Molecular consequence: missense variant. On other transcripts: intron variant (1).
Genome position (GRCh38, 1-based): chr16:23,630,277, T>C on the plus strand (A>G on the coding strand, the complement: PALB2 is on the minus strand). VCF-style: chr16-23630277-T-C. GRCh37 (hg19) VCF-style: chr16-23641598-T-C.
Other names: c.1817A>G, p.Lys606Arg (NM_001407296.1); c.1877A>G, p.Lys626Arg (NM_001407297.1, NM_001407298.1, NM_001407299.1 and 3 more transcripts); c.992A>G, p.Lys331Arg (NM_001407304.1, NM_001407305.1, NM_001407306.1 and 5 more transcripts); c.89A>G, p.Lys30Arg (NM_001407312.1, NM_001407313.1); c.49-1002A>G (NM_001407314.1); short protein forms K331R, K626R, K606R, K30R.
Identifiers: ClinVar variation 3634220 (VCV003634220.2).

ClinVar aggregate classification (germline): Uncertain significance (1 of 4 stars; one submission).

Conditions:
Familial cancer of breast. Also called: BREAST CANCER, FAMILIAL; hereditary breast carcinoma; Hereditary breast cancer. Identifiers: Orphanet 227535, MedGen C0346153, MONDO:0016419, OMIM 114480. Disease mechanism: loss of function.

gnomAD v4.1: 1 of 1,614,156 alleles (0.000062%); highest among the groups gnomAD compares: African/African-American, 0.0013%; no homozygotes.

Submission:

Labcorp Genetics (formerly Invitae), Labcorp
Classification: Uncertain significance for Familial cancer of breast. Last evaluated: 2024-04-05. Review status: criteria provided, single submitter. Criteria: Invitae Variant Classification Sherloc (09022015). Collection method: clinical testing. Allele origin: germline.
Comment: This sequence change replaces lysine, which is basic and polar, with arginine, which is basic and polar, at codon 626 of the PALB2 protein (p.Lys626Arg). This variant is present in population databases (rs539057238, gnomAD 0.007%). This variant has not been reported in the literature in individuals affected with PALB2-related conditions. Advanced modeling of protein sequence and biophysical properties (such as structural, functional, and spatial information, amino acid conservation, physicochemical variation, residue mobility, and thermodynamic stability) performed at Invitae indicates that this missense variant is expected to disrupt PALB2 protein function with a positive predictive value of 80%. In summary, the available evidence is currently insufficient to determine the role of this variant in disease. Therefore, it has been classified as a Variant of Uncertain Significance.